The following is an entry in ClinVar:

NM_003235.5(TG):c.4891G>T (p.Ala1631Ser)

Gene: TG (thyroglobulin; plus strand). Cytogenetic location: 8q24.22.
Variant type: single nucleotide variant.
Coding change: c.4891G>T on transcript NM_003235.5 (MANE Select); coding-DNA position 4891, G replaced by T.
Protein change: p.Ala1631Ser; replaces alanine 1631 with serine.
Molecular consequence: missense variant.
Genome position (GRCh38, 1-based): chr8:132,933,635, G>T. VCF-style: chr8-132933635-G-T. GRCh37 (hg19) VCF-style: chr8-133945880-G-T.
Other names: short protein forms A1631S.
Identifiers: ClinVar variation 2219381 (VCV002219381.4), dbSNP rs143415940, ClinGen allele CA4884297.

ClinVar aggregate classification (germline): Uncertain significance. Review status: criteria provided, multiple submitters, no conflicts (2 of 4 stars). 2 submissions from 2 submitters: Uncertain significance (2). Last evaluated 2025-10-13.

Conditions:
Inborn genetic diseases. Identifiers: MedGen C0950123, MeSH D030342.

Allele frequency attached by ClinVar (database versions not stated): gnomAD exomes 0.00001; TOPMed 0.00002; ESP Exome Variant Server 0.00008; ExAC 0.00001; gnomAD 0.00001.
gnomAD v4.1: 12 of 1,614,004 alleles (0.00074%); highest among the groups gnomAD compares: Non-Finnish European, 0.00085%; no homozygotes.

Submissions (2):

Women's Health and Genetics/Laboratory Corporation of America, LabCorp
Classification: Uncertain significance. Last evaluated: 2025-10-13. Review status: criteria provided, single submitter. Criteria: LabCorp Variant Classification Summary - May 2015. Collection method: clinical testing. Allele origin: germline.
Comment: Variant summary: TG c.4891G>T (p.Ala1631Ser) results in a conservative amino acid change in the encoded protein sequence. Algorithms developed to predict the effect of missense changes on protein structure and function all suggest that this variant is likely to be tolerated. The variant allele was found at a frequency of 8e-06 in 251490 control chromosomes. The available data on variant occurrences in the general population are insufficient to allow any conclusion about variant significance. To our knowledge, no occurrence of c.4891G>T in individuals affected with TG-related conditions and no experimental evidence demonstrating its impact on protein function have been reported. ClinVar contains an entry for this variant (Variation ID: 2219381). Based on the evidence outlined above, the variant was classified as uncertain significance.

Ambry Genetics
Classification: Uncertain significance for Inborn genetic diseases. Last evaluated: 2025-08-04. Review status: criteria provided, single submitter. Criteria: Ambry Variant Classification Scheme 2023. Collection method: clinical testing. Allele origin: germline.